The following is an entry in ClinVar:

NC_000005.10:g.(?_131159273)_(131165358_?)del

Gene: HINT1 (histidine triad nucleotide binding protein 1; minus strand). Cytogenetic location: 5q23.3.
Variant type: Deletion.
Identifiers: ClinVar variation 659597 (VCV000659597.2).

ClinVar aggregate classification (germline): Pathogenic (1 of 4 stars; one submission).

Conditions:
Autosomal recessive axonal neuropathy with neuromyotonia (NMAN). Also called: MYOKYMIA, MYOTONIA, AND MUSCLE WASTING; Gamstorp-Wohlfart syndrome; Neuromyotonia and axonal neuropathy, autosomal recessive. Identifiers: Orphanet 324442, MedGen C5700127, MONDO:0007646, OMIM 137200.

Submission:

Labcorp Genetics (formerly Invitae), Labcorp
Classification: Pathogenic for Autosomal recessive axonal neuropathy with neuromyotonia. Last evaluated: 2018-10-10. Review status: criteria provided, single submitter. Criteria: Invitae Variant Classification Sherloc (09022015). Collection method: clinical testing. Allele origin: germline.
Comment: A gross deletion of the genomic region encompassing the full coding sequence of the HINT1 gene has been identified. The boundaries of this event are unknown as the deletion extends beyond the assayed region for this gene and therefore may encompass additional genes. This variant has not been reported in the literature in individuals with HINT1-related disease. Loss-of-function variants in HINT1 are known to be pathogenic (PMID: 22961002, 25342199, 26059562). For these reasons, this variant has been classified as Pathogenic.

Literature cited by the submitters: PubMed 22961002; PubMed 25342199; PubMed 26059562.